The following is an entry in ClinVar:

NM_002439.5(MSH3):c.587C>T (p.Thr196Ile)

Gene: MSH3 (mutS homolog 3; plus strand). Cytogenetic location: 5q14.1.
Variant type: single nucleotide variant.
Coding change: c.587C>T on transcript NM_002439.5 (MANE Select); coding-DNA position 587, C replaced by T.
Protein change: p.Thr196Ile; replaces threonine 196 with isoleucine.
Molecular consequence: missense variant.
Genome position (GRCh38, 1-based): chr5:80,670,104, C>T. VCF-style: chr5-80670104-C-T. GRCh37 (hg19) VCF-style: chr5-79965923-C-T.
Other names: short protein forms T196I.
Identifiers: ClinVar variation 663256 (VCV000663256.19), dbSNP rs774402842, ClinGen allele CA3327650.

ClinVar aggregate classification (germline): Uncertain significance. Review status: criteria provided, multiple submitters, no conflicts (2 of 4 stars). 4 submissions from 4 submitters: Uncertain significance (4). Last evaluated 2026-01-31.

Conditions:
Hereditary cancer-predisposing syndrome. Also called: Neoplastic Syndromes, Hereditary; Tumor predisposition; Hereditary neoplastic syndrome; Hereditary Cancer Syndrome. Identifiers: Orphanet 140162, MedGen C0027672, MeSH D009386, MONDO:0015356.
Endometrial carcinoma. Also called: Endometrial carcinoma, somatic. Identifiers: MedGen C0476089, MONDO:0002447, OMIM 608089, HP:0012114.

Allele frequency attached by ClinVar (database versions not stated): TOPMed below 0.00001; ExAC 0.00001; gnomAD exomes 0.00001.
gnomAD v4.1: 4 of 1,614,048 alleles (0.00025%); highest among the groups gnomAD compares: East Asian, 0.0045%; no homozygotes.

Submissions (4):

Labcorp Genetics (formerly Invitae), Labcorp
Classification: Uncertain significance. Last evaluated: 2026-01-31. Review status: criteria provided, single submitter. Criteria: Invitae Variant Classification Sherloc (09022015). Collection method: clinical testing. Allele origin: germline.
Comment: This sequence change replaces threonine, which is neutral and polar, with isoleucine, which is neutral and non-polar, at codon 196 of the MSH3 protein (p.Thr196Ile). This variant is present in population databases (rs774402842, gnomAD 0.01%). This variant has not been reported in the literature in individuals affected with MSH3-related conditions. ClinVar contains an entry for this variant (Variation ID: 663256). An algorithm developed to predict the effect of missense changes on protein structure and function (PolyPhen-2) suggests that this variant is likely to be tolerated. In summary, the available evidence is currently insufficient to determine the role of this variant in disease. Therefore, it has been classified as a Variant of Uncertain Significance.

Ambry Genetics
Classification: Uncertain significance for Hereditary cancer-predisposing syndrome. Last evaluated: 2025-03-20. Review status: criteria provided, single submitter. Criteria: Ambry Variant Classification Scheme 2023. Collection method: clinical testing. Allele origin: germline.

GeneDx
Classification: Uncertain significance. Last evaluated: 2024-02-12. Review status: criteria provided, single submitter. Criteria: GeneDx Variant Classification Process June 2021. Collection method: clinical testing. Allele origin: germline. Affected: yes.
Comment: Not observed at significant frequency in large population cohorts (gnomAD); In silico analysis supports that this missense variant does not alter protein structure/function; Has not been previously published as pathogenic or benign to our knowledge

Baylor Genetics
Classification: Uncertain significance for Endometrial carcinoma. Last evaluated: 2022-01-05. Review status: criteria provided, single submitter. Criteria: ACMG Guidelines, 2015. Collection method: clinical testing. Allele origin: unknown.